The following is an entry in ClinVar:

ClinVar aggregate classification (germline): Uncertain significance (1 of 4 stars; one submission).

Conditions:
Cortical dysplasia-focal epilepsy syndrome (PTHSL1). Also called: Pitt-Hopkins-like syndrome 1. Identifiers: Orphanet 163681, Orphanet 221150, MedGen C2750246, MONDO:0012400, OMIM 610042.

Allele frequency attached by ClinVar (database versions not stated): gnomAD exomes 0.00001 and 0.00002; ExAC 0.00002.
gnomAD v4.1: 16 of 1,614,202 alleles (0.00099%); highest among the groups gnomAD compares: South Asian, 0.0022%; no homozygotes.

Submission:

Labcorp Genetics (formerly Invitae), Labcorp
Classification: Uncertain significance for Cortical dysplasia-focal epilepsy syndrome. Last evaluated: 2022-06-03. Review status: criteria provided, single submitter. Criteria: Invitae Variant Classification Sherloc (09022015). Collection method: clinical testing. Allele origin: germline.
Comment: In summary, the available evidence is currently insufficient to determine the role of this variant in disease. Therefore, it has been classified as a Variant of Uncertain Significance. Algorithms developed to predict the effect of missense changes on protein structure and function output the following: SIFT: "Tolerated"; PolyPhen-2: "Benign"; Align-GVGD: "Class C0". The serine amino acid residue is found in multiple mammalian species, which suggests that this missense change does not adversely affect protein function. ClinVar contains an entry for this variant (Variation ID: 1434416). This variant has not been reported in the literature in individuals affected with CNTNAP2-related conditions. This variant is present in population databases (rs748173228, gnomAD 0.004%). This sequence change replaces asparagine, which is neutral and polar, with serine, which is neutral and polar, at codon 1099 of the CNTNAP2 protein (p.Asn1099Ser).

NM_014141.6(CNTNAP2):c.3296A>G (p.Asn1099Ser)

Gene: CNTNAP2 (contactin associated protein 2; plus strand). Cytogenetic location: 7q36.1.
Variant type: single nucleotide variant.
Coding change: c.3296A>G on transcript NM_014141.6 (MANE Select); coding-DNA position 3296, A replaced by G.
Protein change: p.Asn1099Ser; replaces asparagine 1099 with serine.
Molecular consequence: missense variant.
Genome position (GRCh38, 1-based): chr7:148,229,694, A>G. VCF-style: chr7-148229694-A-G. GRCh37 (hg19) VCF-style: chr7-147926786-A-G.
Other names: short protein forms N1099S.
Identifiers: ClinVar variation 1434416 (VCV001434416.8), dbSNP rs748173228, ClinGen allele CA4546610.
Genomic context (GRCh38, chr7:148,229,694, plus strand): 5'-TTTCTTCTATAGGAAGCTTACAGATTCGATACAACCTGGGTGGCACCCGAGAGCCATACA[A>G]TATTGACGTAGACCACAGGAACATGGCCAATGGACAGCCCCACAGTGTCAACATCACCCG-3'
Protein context (NP_054860.1, residues 1089-1109): YNLGGTREPY[Asn1099Ser]IDVDHRNMAN